The following is an entry in ClinVar:

NM_030662.4(MAP2K2):c.191T>G (p.Val64Gly)

Gene: MAP2K2 (mitogen-activated protein kinase kinase 2; minus strand). Cytogenetic location: 19p13.3.
Variant type: single nucleotide variant.
Coding change: c.191T>G on transcript NM_030662.4 (MANE Select); coding-DNA position 191, T replaced by G.
Protein change: p.Val64Gly; replaces valine 64 with glycine.
Molecular consequence: missense variant.
Genome position (GRCh38, 1-based): chr19:4,117,531, A>C on the plus strand (T>G on the coding strand, the complement: MAP2K2 is on the minus strand). VCF-style: chr19-4117531-A-C. GRCh37 (hg19) VCF-style: chr19-4117529-A-C.
Other names: short protein forms V64G.
Identifiers: ClinVar variation 431174 (VCV000431174.3), dbSNP rs1135401787, ClinGen allele CA403392664.

ClinVar aggregate classification (germline): Likely pathogenic (0 of 4 stars; one submission).

Conditions:
Cardiofaciocutaneous syndrome 4 (CFC4). Also called: MAP2K2-Related Cardiofaciocutaneous Syndrome. Identifiers: Orphanet 1340, MedGen C3809007, MONDO:0014114, OMIM 615280.

Submission:

Institute of Human Genetics, University of Goettingen
Classification: Likely pathogenic for Cardiofaciocutaneous syndrome 4. Last evaluated: 2017-08-03. Review status: no assertion criteria provided. Collection method: clinical testing. Allele origin: de novo. Affected: yes. Observed: 1 variant allele, 1 heterozygote.
Comment: CFC syndrome